The following is an entry in ClinVar:

NM_006254.4(PRKCD):c.315+32_315+33insGGTG

Gene: PRKCD (protein kinase C delta; plus strand). Cytogenetic location: 3p21.1.
Variant type: Insertion.
Coding change: c.315+32_315+33insGGTG on transcript NM_006254.4 (MANE Select); bases 32 to 33 of the intron after coding-DNA position 315, GGTG inserted.
Molecular consequence: intron variant.
Genome position: GRCh38 VCF-style: chr3-53179805-T-TGTGG. GRCh37 (hg19) VCF-style: chr3-53213821-T-TGTGG.
Other names: c.315+32_315+33insGGTG (NM_001354680.2, NM_001354679.2, NM_212539.2 and 1 more transcripts); c.372+32_372+33insGGTG (NM_001354676.2); c.363+32_363+33insGGTG (NM_001354678.2).
Identifiers: ClinVar variation 2628232 (VCV002628232.2), dbSNP rs2107257773, ClinGen allele CA2695197923.

ClinVar aggregate classification (germline): Benign (1 of 4 stars; one submission).

Submission:

Unidad de Genómica Garrahan, Hospital de Pediatría Garrahan
Classification: Benign. Last evaluated: 2023-11-12. Review status: criteria provided, single submitter. Criteria: ACMG Guidelines, 2015. Collection method: clinical testing. Allele origin: germline. Affected: no. Observed: 32 variant alleles.
Comment: This variant is classified as Benign based on local population frequency. This variant was detected in 33% of patients studied by a panel of primary immunodeficiencies. Number of patients: 32. Only high quality variants are reported.